The following is an entry in ClinVar:

NM_000046.5(ARSB):c.645C>T (p.Phe215=)

Gene: ARSB (arylsulfatase B; minus strand). Cytogenetic location: 5q14.1.
Variant type: single nucleotide variant.
Coding change: c.645C>T on transcript NM_000046.5 (MANE Select); coding-DNA position 645, C replaced by T.
Protein change: p.Phe215=; no amino-acid change (phenylalanine 215 retained).
Molecular consequence: synonymous variant.
Genome position (GRCh38, 1-based): chr5:78,964,461, G>A on the plus strand (C>T on the coding strand, the complement: ARSB is on the minus strand). VCF-style: chr5-78964461-G-A. GRCh37 (hg19) VCF-style: chr5-78260284-G-A.
Other names: c.645C>T, p.Phe215= (NM_198709.3).
Identifiers: ClinVar variation 2655553 (VCV002655553.24), dbSNP rs2530589252, ClinGen allele CA445101667.

ClinVar aggregate classification (germline): Likely benign (1 of 4 stars; one submission).

Submission:

CeGaT Center for Human Genetics Tuebingen
Classification: Likely benign. Last evaluated: 2022-10-01. Review status: criteria provided, single submitter. Criteria: CeGaT Center For Human Genetics Tuebingen Variant Classification Criteria Version 2. Collection method: clinical testing. Allele origin: germline. Affected: yes. Observed: 1 variant allele.
Comment: ARSB: PM2:Supporting, BP4, BP7